The following is an entry in ClinVar:

ClinVar aggregate classification (germline): Uncertain significance (1 of 4 stars; one submission).

Allele frequency attached by ClinVar (database versions not stated): ExAC 0.00003; gnomAD 0.00008; TOPMed 0.00009; gnomAD exomes 0.00010.
gnomAD v4.1: 175 of 1,612,530 alleles (0.011%); highest among the groups gnomAD compares: Non-Finnish European, 0.013%; no homozygotes.

Submission:

Labcorp Genetics (formerly Invitae), Labcorp
Classification: Uncertain significance. Last evaluated: 2023-10-05. Review status: criteria provided, single submitter. Criteria: Invitae Variant Classification Sherloc (09022015). Collection method: clinical testing. Allele origin: germline.
Comment: This sequence change replaces tryptophan, which is neutral and slightly polar, with cysteine, which is neutral and slightly polar, at codon 270 of the SLC19A1 protein (p.Trp270Cys). This variant is present in population databases (rs768545030, gnomAD 0.006%). This variant has not been reported in the literature in individuals affected with SLC19A1-related conditions. An algorithm developed to predict the effect of missense changes on protein structure and function (PolyPhen-2) suggests that this variant is likely to be disruptive. In summary, the available evidence is currently insufficient to determine the role of this variant in disease. Therefore, it has been classified as a Variant of Uncertain Significance.

NM_194255.4(SLC19A1):c.810G>C (p.Trp270Cys)

Gene: SLC19A1 (solute carrier family 19 member 1; minus strand). Cytogenetic location: 21q22.3.
Variant type: single nucleotide variant.
Coding change: c.810G>C on transcript NM_194255.4 (MANE Select); coding-DNA position 810, G replaced by C.
Protein change: p.Trp270Cys; replaces tryptophan 270 with cysteine.
Molecular consequence: missense variant.
Genome position (GRCh38, 1-based): chr21:45,531,528, C>G on the plus strand (G>C on the coding strand, the complement: SLC19A1 is on the minus strand). VCF-style: chr21-45531528-C-G. GRCh37 (hg19) VCF-style: chr21-46951442-C-G.
Other names: c.810G>C, p.Trp270Cys (NM_001205206.4, NM_001352511.3, NM_001352512.2); c.690G>C, p.Trp230Cys (NM_001205207.3); c.456G>C, p.Trp152Cys (NM_001352510.2); short protein forms W152C, W230C, W270C.
Identifiers: ClinVar variation 2908812 (VCV002908812.3), dbSNP rs768545030, ClinGen allele CA10068521.